The following is an entry in ClinVar:

NM_002334.4(LRP4):c.4234G>A (p.Ala1412Thr)

Genes: LRP4 (LDL receptor related protein 4; minus strand), LRP4-AS1 (LRP4 antisense RNA 1; plus strand). Cytogenetic location: 11p11.2.
Variant type: single nucleotide variant.
Coding change: c.4234G>A on transcript NM_002334.4 (MANE Select); coding-DNA position 4234, G replaced by A.
Protein change: p.Ala1412Thr; replaces alanine 1412 with threonine.
Molecular consequence: missense variant. On other transcripts: non-coding transcript variant (1).
Genome position (GRCh38, 1-based): chr11:46,873,589, C>T on the plus strand (G>A on the coding strand, the complement: LRP4 is on the minus strand). VCF-style: chr11-46873589-C-T. GRCh37 (hg19) VCF-style: chr11-46895140-C-T.
Other names: short protein forms A1412T.
Identifiers: ClinVar variation 1500664 (VCV001500664.8), dbSNP rs2134789997, ClinGen allele CA380269754.

ClinVar aggregate classification (germline): Uncertain significance (1 of 4 stars; one submission).

Conditions:
Sclerosteosis 2 (SOST2). Identifiers: Orphanet 3152, MedGen C3280402, MONDO:0013679, OMIM 614305.
Cenani-Lenz syndactyly syndrome. Also called: SYNDACTYLY, TYPE VII; CENANI SYNDACTYLISM. Identifiers: Orphanet 3258, MedGen C1859309, MONDO:0008931, OMIM 212780.
Congenital myasthenic syndrome 17. Identifiers: Orphanet 590, MedGen C4225377, MONDO:0014578, OMIM 616304.

Submission:

Labcorp Genetics (formerly Invitae), Labcorp
Classification: Uncertain significance for Cenani-Lenz syndactyly syndrome; Sclerosteosis 2; Congenital myasthenic syndrome 17. Last evaluated: 2022-08-09. Review status: criteria provided, single submitter. Criteria: Invitae Variant Classification Sherloc (09022015). Collection method: clinical testing. Allele origin: germline.
Comment: Algorithms developed to predict the effect of missense changes on protein structure and function are either unavailable or do not agree on the potential impact of this missense change (SIFT: "Deleterious"; PolyPhen-2: "Benign"; Align-GVGD: "Class C0"). In summary, the available evidence is currently insufficient to determine the role of this variant in disease. Therefore, it has been classified as a Variant of Uncertain Significance. ClinVar contains an entry for this variant (Variation ID: 1500664). This variant has not been reported in the literature in individuals affected with LRP4-related conditions. This variant is not present in population databases (gnomAD no frequency). This sequence change replaces alanine, which is neutral and non-polar, with threonine, which is neutral and polar, at codon 1412 of the LRP4 protein (p.Ala1412Thr).